The following is an entry in ClinVar:

NM_000355.4(TCN2):c.1222+228dup

Gene: TCN2 (transcobalamin 2; plus strand). Cytogenetic location: 22q12.2.
Variant type: Duplication.
Coding change: c.1222+228dup on transcript NM_000355.4 (MANE Select); 228 bases into the intron after coding-DNA position 1222, one base duplicated (A; older notation c.1222+228dupA).
Molecular consequence: intron variant.
Genome position (GRCh38, 1-based): chr22:30,623,311, A duplicated; the last of 15 consecutive A bases (chr22:30,623,297-30,623,311); duplicating any one gives the same sequence. VCF-style (leftmost placement, unchanged base first): chr22-30623296-C-CA. GRCh37 (hg19) VCF-style: chr22-31019283-C-CA.
Other names: c.1141+228dup (NM_001184726.2).
Identifiers: ClinVar variation 1707215 (VCV001707215.2), dbSNP rs11305698, ClinGen allele CA639021461.

ClinVar aggregate classification (germline): Likely benign (1 of 4 stars; one submission).

Submission:

GeneDx
Classification: Likely benign. Last evaluated: 2021-05-17. Review status: criteria provided, single submitter. Criteria: GeneDx Variant Classification Process June 2021. Collection method: clinical testing. Allele origin: germline. Affected: yes.
Comment: See Variant Classification Assertion Criteria.